The following is an entry in ClinVar:

NM_012414.4(RAB3GAP2):c.29A>G (p.Tyr10Cys)

Gene: RAB3GAP2 (RAB3 GTPase activating non-catalytic protein subunit 2; minus strand). Cytogenetic location: 1q41.
Variant type: single nucleotide variant.
Coding change: c.29A>G on transcript NM_012414.4 (MANE Select); coding-DNA position 29, A replaced by G.
Protein change: p.Tyr10Cys; replaces tyrosine 10 with cysteine.
Molecular consequence: missense variant.
Genome position (GRCh38, 1-based): chr1:220,272,309, T>C on the plus strand (A>G on the coding strand, the complement: RAB3GAP2 is on the minus strand). VCF-style: chr1-220272309-T-C. GRCh37 (hg19) VCF-style: chr1-220445651-T-C.
Other names: short protein forms Y10C.
Identifiers: ClinVar variation 2931720 (VCV002931720.3), dbSNP rs2528837954, ClinGen allele CA344734736.

ClinVar aggregate classification (germline): Uncertain significance (1 of 4 stars; one submission).

Conditions:
Martsolf syndrome (MARTS). Also called: Congenital cataract with intellectual disability and hypogonadotropic hypogonadism syndrome. Identifiers: Orphanet 1387, MedGen C0796037, MONDO:0023910.
Warburg micro syndrome 2 (WARBM2). Also called: MICRO SYNDROME 2. Identifiers: Orphanet 2510, MedGen C3280214, MONDO:0013641, OMIM 614225.

gnomAD v4.1: 1 of 1,612,106 alleles (0.000062%); highest among the groups gnomAD compares: Non-Finnish European, 0.000085%; no homozygotes.

Submission:

Labcorp Genetics (formerly Invitae), Labcorp
Classification: Uncertain significance for Martsolf syndrome; Warburg micro syndrome 2. Last evaluated: 2022-12-29. Review status: criteria provided, single submitter. Criteria: Invitae Variant Classification Sherloc (09022015). Collection method: clinical testing. Allele origin: germline.
Comment: This variant is not present in population databases (gnomAD no frequency). This sequence change replaces tyrosine, which is neutral and polar, with cysteine, which is neutral and slightly polar, at codon 10 of the RAB3GAP2 protein (p.Tyr10Cys). This variant has not been reported in the literature in individuals affected with RAB3GAP2-related conditions. Advanced modeling of protein sequence and biophysical properties (such as structural, functional, and spatial information, amino acid conservation, physicochemical variation, residue mobility, and thermodynamic stability) performed at Invitae indicates that this missense variant is not expected to disrupt RAB3GAP2 protein function. In summary, the available evidence is currently insufficient to determine the role of this variant in disease. Therefore, it has been classified as a Variant of Uncertain Significance.